The following is an entry in ClinVar:

ClinVar aggregate classification (germline): Conflicting classifications of pathogenicity. Review status: criteria provided, conflicting classifications (1 of 4 stars). 5 submissions from 5 submitters: Uncertain significance (3); Likely benign (2). Last evaluated 2025-05-22.

Conditions:
Cardiovascular phenotype. Identifiers: MedGen CN230736.
Cardiac arrhythmia, ankyrin-B-related. Also called: ANKYRIN-B SYNDROME. Identifiers: Orphanet 101016, Orphanet 768, MedGen C1970119, MONDO:0010958, OMIM 600919.
Long QT syndrome (LQTS). Identifiers: MedGen C0023976, MeSH D008133, MONDO:0002442. Disease mechanism: loss of function. Inheritance: Various modes of inheritance.

Allele frequency attached by ClinVar (database versions not stated): ExAC 0.00002; gnomAD exomes 0.00002 and 0.00004; TOPMed 0.00002; gnomAD 0.00003; ESP Exome Variant Server 0.00008.
gnomAD v4.1: 63 of 1,613,898 alleles (0.0039%); highest among the groups gnomAD compares: Non-Finnish European, 0.0049%; no homozygotes.

Submissions (5):

Labcorp Genetics (formerly Invitae), Labcorp
Classification: Uncertain significance for Long QT syndrome. Last evaluated: 2025-05-22. Review status: criteria provided, single submitter. Criteria: Invitae Variant Classification Sherloc (09022015). Collection method: clinical testing. Allele origin: germline.
Comment: This sequence change replaces alanine, which is neutral and non-polar, with threonine, which is neutral and polar, at codon 3383 of the ANK2 protein (p.Ala3383Thr). This variant is present in population databases (rs374257100, gnomAD 0.003%). This variant has not been reported in the literature in individuals affected with ANK2-related conditions. ClinVar contains an entry for this variant (Variation ID: 526986). An algorithm developed to predict the effect of missense changes on protein structure and function outputs the following: PolyPhen-2: "Benign". The threonine amino acid residue is found in multiple mammalian species, which suggests that this missense change does not adversely affect protein function. In summary, the available evidence is currently insufficient to determine the role of this variant in disease. Therefore, it has been classified as a Variant of Uncertain Significance.

Ambry Genetics
Classification: Likely benign for Cardiovascular phenotype. Last evaluated: 2024-09-06. Review status: criteria provided, single submitter. Criteria: Ambry Variant Classification Scheme 2023. Collection method: clinical testing. Allele origin: germline.

Blueprint Genetics
Classification: Likely benign. Last evaluated: 2024-04-08. Review status: criteria provided, single submitter. Criteria: ACMG Guidelines, 2015. Collection method: clinical testing. Allele origin: germline.

Fulgent Genetics
Classification: Uncertain significance for Cardiac arrhythmia, ankyrin-B-related. Last evaluated: 2021-09-17. Review status: criteria provided, single submitter. Criteria: ACMG Guidelines, 2015. Collection method: clinical testing. Allele origin: unknown.

Stanford Center for Inherited Cardiovascular Disease, Stanford University
Classification: Uncertain significance. Last evaluated: 2017-10-23. Review status: criteria provided, single submitter. Criteria: ACMG Guidelines, 2015. Collection method: provider interpretation. Allele origin: germline.

NM_001148.6(ANK2):c.10147G>A (p.Ala3383Thr)

Gene: ANK2 (ankyrin 2; plus strand). Cytogenetic location: 4q26.
Variant type: single nucleotide variant.
Coding change: c.10147G>A on transcript NM_001148.6 (MANE Select); coding-DNA position 10147, G replaced by A.
Protein change: p.Ala3383Thr; replaces alanine 3383 with threonine.
Molecular consequence: missense variant. On other transcripts: intron variant (68).
Genome position (GRCh38, 1-based): chr4:113,358,765, G>A. VCF-style: chr4-113358765-G-A. GRCh37 (hg19) VCF-style: chr4-114279921-G-A.
Other names: c.9913G>A, p.Ala3305Thr (NM_001386142.1); c.6547G>A, p.Ala2183Thr (NM_001386166.1); c.10288G>A, p.Ala3430Thr (NM_001386174.1); c.10264G>A, p.Ala3422Thr (NM_001386175.1); c.4412-2058G>A (NM_001386186.2, NM_001386148.2); c.4214-2058G>A (NM_001354269.3); c.4292-2058G>A (NM_001386187.2); c.4253-2058G>A (NM_001386147.1); and 35 more; short protein forms A3383T, A2183T, A3305T, A3422T, A3430T.
Identifiers: ClinVar variation 526986 (VCV000526986.12), dbSNP rs374257100, ClinGen allele CA3052029.